The following is an entry in ClinVar:

NM_001291867.2(NHS):c.2327_2328del (p.His776fs)

Gene: NHS (NHS actin remodeling regulator; plus strand). Cytogenetic location: Xp22.13.
Variant type: Deletion.
Coding change: c.2327_2328del on transcript NM_001291867.2 (MANE Select); coding-DNA positions 2327 to 2328, 2 bases deleted (AC; older notation c.2327_2328delAC).
Protein change: p.His776fs; shifts the reading frame from histidine 776.
Molecular consequence: frameshift variant.
Genome position (GRCh38, 1-based): chrX:17,726,433-17,726,434, AC deleted; deleting any 2 consecutive bases within chrX:17,726,432-17,726,434 gives the same sequence; the c. name uses the placement nearest the transcript's 3' end. VCF-style (leftmost placement, unchanged base first): chrX-17726431-TCA-T. GRCh37 (hg19) VCF-style: chrX-17744551-TCA-T.
Other names: c.1796_1797del, p.His599fs (NM_001136024.4); c.1733_1734del, p.His578fs (NM_001291868.2); c.2264_2265del, p.His755fs (NM_198270.4); short protein forms H578fs, H599fs, H755fs, H776fs.
Identifiers: ClinVar variation 864655 (VCV000864655.7), dbSNP rs2066444344, ClinGen allele CA916083850.

ClinVar aggregate classification (germline): Pathogenic (1 of 4 stars; one submission).

Conditions:
Nance-Horan syndrome (NHS). Identifiers: Orphanet 627, MedGen C0796085, MONDO:0010545, OMIM 302350.

Submission:

Labcorp Genetics (formerly Invitae), Labcorp
Classification: Pathogenic for Nance-Horan syndrome. Last evaluated: 2024-11-18. Review status: criteria provided, single submitter. Criteria: Invitae Variant Classification Sherloc (09022015). Collection method: clinical testing. Allele origin: germline.
Comment: This sequence change creates a premature translational stop signal (p.His755Leufs*15) in the NHS gene. It is expected to result in an absent or disrupted protein product. Loss-of-function variants in NHS are known to be pathogenic (PMID: 14564667, 19414485). This variant is not present in population databases (gnomAD no frequency). This variant has not been reported in the literature in individuals affected with NHS-related conditions. ClinVar contains an entry for this variant (Variation ID: 864655). For these reasons, this variant has been classified as Pathogenic.

Literature cited by the submitters: PubMed 14564667; PubMed 19414485.